The following is an entry in ClinVar:

ClinVar aggregate classification (germline): Likely benign. Review status: criteria provided, single submitter (1 of 4 stars). 2 submissions from 2 submitters: Likely benign (1). 1 of the submissions does not count toward it. Last evaluated 2025-09-01.

Conditions:
ROR2-related disorder. Also called: ROR2-related condition; ROR2-related disorders.

Allele frequency attached by ClinVar (database versions not stated): gnomAD 0.00003; ExAC 0.00007; 1000 Genomes Project 0.00060; 1000 Genomes Project 30x 0.00078.
gnomAD v4.1: 33 of 1,612,826 alleles (0.002%); highest among the groups gnomAD compares: Admixed American, 0.025%; 1 homozygote.

Submissions (2):

Labcorp Genetics (formerly Invitae), Labcorp
Classification: Likely benign. Last evaluated: 2025-09-01. Review status: criteria provided, single submitter. Criteria: Invitae Variant Classification Sherloc (09022015). Collection method: clinical testing. Allele origin: germline.

PreventionGenetics, part of Exact Sciences
Classification: Likely benign for ROR2-related condition. Last evaluated: 2019-05-31. Review status: no assertion criteria provided. Collection method: clinical testing. Allele origin: germline. Not counted in ClinVar's aggregate classification.
Comment: This variant is classified as likely benign based on ACMG/AMP sequence variant interpretation guidelines (Richards et al. 2015 PMID: 25741868, with internal and published modifications).

NM_004560.4(ROR2):c.2304G>A (p.Thr768=)

Gene: ROR2 (ROR family WNT receptor 2; minus strand). Cytogenetic location: 9q22.31.
Variant type: single nucleotide variant.
Coding change: c.2304G>A on transcript NM_004560.4 (MANE Select); coding-DNA position 2304, G replaced by A.
Protein change: p.Thr768=; no amino-acid change (threonine 768 retained).
Molecular consequence: synonymous variant.
Genome position (GRCh38, 1-based): chr9:91,724,190, C>T on the plus strand (G>A on the coding strand, the complement: ROR2 is on the minus strand). VCF-style: chr9-91724190-C-T. GRCh37 (hg19) VCF-style: chr9-94486472-C-T.
Other names: c.2304G>A (NM_004560.3).
Identifiers: ClinVar variation 2062979 (VCV002062979.6), dbSNP rs559229993, ClinGen allele CA5120422.